The following is an entry in ClinVar:

NM_000179.3(MSH6):c.90_105del (p.Gly31fs)

Gene: MSH6 (mutS homolog 6; plus strand). Cytogenetic location: 2p16.3.
Variant type: Deletion.
Coding change: c.90_105del on transcript NM_000179.3 (MANE Select); coding-DNA positions 90 to 105, 16 bases deleted (AGGCGGCCGTGCCGCC).
Protein change: p.Gly31fs; shifts the reading frame from glycine 31.
Molecular consequence: frameshift variant. On other transcripts: 5 prime UTR variant (1).
Genome position (GRCh38, 1-based): chr2:47,783,323-47,783,338, AGGCGGCCGTGCCGCC deleted. VCF-style (leftmost placement, unchanged base first): chr2-47783322-AAGGCGGCCGTGCCGCC-A. GRCh37 (hg19) VCF-style: chr2-48010461-AAGGCGGCCGTGCCGCC-A.
Other names: c.90_105del, p.Gly31fs (NM_001281492.2); c.-647_-632del (NM_001281493.2); c.90_105del16, p.Gly31Leufs (NM_001406795.1, NM_001406796.1, NM_001406798.1 and 8 more transcripts); c.-239_-224del16 (NM_001406799.1); c.35_50del16, p.Lys12Serfs (NM_001406804.1); c.-839_-824del16 (NM_001406807.1); c.-647_-632del16 (NM_001406811.1); c.-494_-479del16 (NM_001406812.1); and 2 more; short protein forms G31fs.
Identifiers: ClinVar variation 1765431 (VCV001765431.2), dbSNP rs2530316491, ClinGen allele CA2580066978.

ClinVar aggregate classification (germline): Pathogenic (1 of 4 stars; one submission).

Conditions:
Hereditary cancer-predisposing syndrome. Also called: Neoplastic Syndromes, Hereditary; Tumor predisposition; Hereditary Cancer Syndrome; Hereditary neoplastic syndrome. Identifiers: Orphanet 140162, MedGen C0027672, MeSH D009386, MONDO:0015356.

Submission:

Ambry Genetics
Classification: Pathogenic for Hereditary cancer-predisposing syndrome. Last evaluated: 2019-07-08. Review status: criteria provided, single submitter. Criteria: Ambry Variant Classification Scheme 2023. Collection method: clinical testing. Allele origin: germline.
Comment: The c.90_105del16 pathogenic mutation, located in coding exon 1 of the MSH6 gene, results from a deletion of 16 nucleotides at nucleotide positions 90 to 105, causing a translational frameshift with a predicted alternate stop codon (p.G31Lfs*45). This alteration is expected to result in loss of function by premature protein truncation or nonsense-mediated mRNA decay. As such, this alteration is interpreted as a disease-causing mutation.